The following is an entry in ClinVar:

ClinVar aggregate classification (germline): Uncertain significance (1 of 4 stars; one submission).

gnomAD v4.1: 4 of 1,614,222 alleles (0.00025%); highest among the groups gnomAD compares: Non-Finnish European, 0.00025%; no homozygotes.

Submission:

CeGaT Center for Human Genetics Tuebingen
Classification: Uncertain significance. Last evaluated: 2025-12-01. Review status: criteria provided, single submitter. Criteria: CeGaT Center For Human Genetics Tuebingen Variant Classification Criteria Version 2. Collection method: clinical testing. Allele origin: germline. Affected: yes. Observed: 1 variant allele.
Comment: ACTN2: PM2

NM_001103.4(ACTN2):c.1286A>G (p.Tyr429Cys)

Gene: ACTN2 (actinin alpha 2; plus strand). Cytogenetic location: 1q43.
Variant type: single nucleotide variant.
Coding change: c.1286A>G on transcript NM_001103.4 (MANE Select); coding-DNA position 1286, A replaced by G.
Protein change: p.Tyr429Cys; replaces tyrosine 429 with cysteine.
Molecular consequence: missense variant. On other transcripts: non-coding transcript variant (1).
Genome position (GRCh38, 1-based): chr1:236,744,656, A>G. VCF-style: chr1-236744656-A-G. GRCh37 (hg19) VCF-style: chr1-236907956-A-G.
Other names: c.1286A>G, p.Tyr429Cys (NM_001278343.2); short protein forms Y429C.
Identifiers: ClinVar variation 4681556 (VCV004681556.5).